The following is an entry in ClinVar:

NM_004991.4(MECOM):c.2557G>C (p.Gly853Arg)

Gene: MECOM (MDS1 and EVI1 complex locus; minus strand). Cytogenetic location: 3q26.2.
Variant type: single nucleotide variant.
Coding change: c.2557G>C on transcript NM_004991.4 (MANE Select); coding-DNA position 2557, G replaced by C.
Protein change: p.Gly853Arg; replaces glycine 853 with arginine.
Molecular consequence: missense variant.
Genome position (GRCh38, 1-based): chr3:169,112,807, C>G on the plus strand (G>C on the coding strand, the complement: MECOM is on the minus strand). VCF-style: chr3-169112807-C-G. GRCh37 (hg19) VCF-style: chr3-168830595-C-G.
Other names: c.2188G>C, p.Gly730Arg (NM_001105077.4); c.1993G>C, p.Gly665Arg (NM_001105078.4, NM_001164000.2, NM_001205194.2 and 4 more transcripts); c.1996G>C, p.Gly666Arg (NM_001163999.2, NM_001366467.2, NM_001366468.2 and 1 more transcripts); c.2557G>C, p.Gly853Arg (NM_001366466.2); c.1585G>C, p.Gly529Arg (NM_001366473.2); c.1021G>C, p.Gly341Arg (NM_001366474.2); short protein forms G730R, G665R, G666R, G853R, G341R, G529R.
Identifiers: ClinVar variation 4053342 (VCV004053342.1).
Genomic context (GRCh38, chr3:169,112,807, plus strand): 5'-TTAGTTTACAAGCTGGAAATCTCAAATCCAAAATACTTACTTGTGGGTGAAACAAGAATC[C>G]TGGAGAAGGCCTCAAGTATTTCTCTTTTAAAGCTTCAAGTGGGTCAGTTAGTTTTCTTTT-3'
Protein context (NP_004982.2, residues 843-863): LKEKYLRPSP[Gly853Arg]FLFHPQFQLP

ClinVar aggregate classification (germline): Uncertain significance (1 of 4 stars; one submission).

Conditions:
Inborn genetic diseases. Identifiers: MedGen C0950123, MeSH D030342.

gnomAD v4.1: 1 of 1,612,920 alleles (0.000062%); highest among the groups gnomAD compares: Non-Finnish European, 0.000085%; no homozygotes.

Submission:

Ambry Genetics
Classification: Uncertain significance for Inborn genetic diseases. Last evaluated: 2025-06-12. Review status: criteria provided, single submitter. Criteria: Ambry Variant Classification Scheme 2023. Collection method: clinical testing. Allele origin: germline.
Comment: The p.G853R variant (also known as c.2557G>C), located in coding exon 9 of the MECOM gene, results from a G to C substitution at nucleotide position 2557. The glycine at codon 853 is replaced by arginine, an amino acid with dissimilar properties. This amino acid position is conserved. In addition, the in silico prediction for this alteration is inconclusive. Based on the available evidence, the clinical significance of this variant remains unclear.